The following is an entry in ClinVar:

ClinVar aggregate classification (germline): Uncertain significance (1 of 4 stars; one submission).

Conditions:
Cystic fibrosis (CF). Also called: MUCOVISCIDOSIS. Identifiers: Orphanet 586, MedGen C0010674, MONDO:0009061, OMIM 219700. Disease mechanism: loss of function.

gnomAD v4.1: 6 of 1,610,962 alleles (0.00037%); highest among the groups gnomAD compares: South Asian, 0.0022%; no homozygotes.

Submission:

Ambry Genetics
Classification: Uncertain significance for Cystic fibrosis. Last evaluated: 2026-03-18. Review status: criteria provided, single submitter. Criteria: Ambry Variant Classification Scheme 2023. Collection method: clinical testing. Allele origin: germline.
Comment: The p.P477A variant (also known as c.1429C>G), located in coding exon 11 of the CFTR gene, results from a C to G substitution at nucleotide position 1429. The proline at codon 477 is replaced by alanine, an amino acid with highly similar properties. This amino acid position is well conserved in available vertebrate species. In addition, the in silico prediction for this alteration is inconclusive. Based on the available evidence, the clinical significance of this variant remains unclear.

NM_000492.4(CFTR):c.1429C>G (p.Pro477Ala)

Genes: CFTR (CF transmembrane conductance regulator; plus strand), CFTR-AS1 (CFTR antisense RNA 1; minus strand). Cytogenetic location: 7q31.2.
Variant type: single nucleotide variant.
Coding change: c.1429C>G on transcript NM_000492.4 (MANE Select); coding-DNA position 1429, C replaced by G.
Protein change: p.Pro477Ala; replaces proline 477 with alanine.
Molecular consequence: missense variant.
Genome position (GRCh38, 1-based): chr7:117,559,500, C>G. VCF-style: chr7-117559500-C-G. GRCh37 (hg19) VCF-style: chr7-117199554-C-G.
Other names: short protein forms P477A.
Identifiers: ClinVar variation 4868814 (VCV004868814.1).